The following is an entry in ClinVar:

NM_020778.5(ALPK3):c.4597C>G (p.Arg1533Gly)

Gene: ALPK3 (alpha kinase 3; plus strand). Cytogenetic location: 15q25.3.
Variant type: single nucleotide variant.
Coding change: c.4597C>G on transcript NM_020778.5 (MANE Select); coding-DNA position 4597, C replaced by G.
Protein change: p.Arg1533Gly; replaces arginine 1533 with glycine.
Molecular consequence: missense variant.
Genome position (GRCh38, 1-based): chr15:84,864,539, C>G. VCF-style: chr15-84864539-C-G. GRCh37 (hg19) VCF-style: chr15-85407770-C-G.
Other names: short protein forms R1533G.
Identifiers: ClinVar variation 4044712 (VCV004044712.2).

ClinVar aggregate classification (germline): Uncertain significance. Review status: criteria provided, multiple submitters, no conflicts (2 of 4 stars). 2 submissions from 2 submitters: Uncertain significance (2). Last evaluated 2026-08-21.

Conditions:
ALPK3-related disorder. Also called: ALPK3-related condition.
Cardiovascular phenotype. Identifiers: MedGen CN230736.

gnomAD v4.1: 2 of 1,614,196 alleles (0.00012%); highest among the groups gnomAD compares: Non-Finnish European, 0.00017%; no homozygotes.

Submissions (2):

PreventionGenetics, part of Exact Sciences
Classification: Uncertain significance for ALPK3-related condition. Last evaluated: 2026-08-21. Review status: criteria provided, single submitter. Criteria: ACMG Guidelines, 2015. Collection method: clinical testing. Allele origin: germline.
Comment: The ALPK3 c.5203C>G variant is predicted to result in the amino acid substitution p.Arg1735Gly. To our knowledge, this variant has not been reported in the literature or in a large population database (gnomAD), indicating this variant is rare. At this time, the clinical significance of this variant is uncertain due to the absence of conclusive functional and genetic evidence.

Ambry Genetics
Classification: Uncertain significance for Cardiovascular phenotype. Last evaluated: 2025-05-02. Review status: criteria provided, single submitter. Criteria: Ambry Variant Classification Scheme 2023. Collection method: clinical testing. Allele origin: germline.
Comment: The p.R1735G variant (also known as c.5203C>G), located in coding exon 12 of the ALPK3 gene, results from a C to G substitution at nucleotide position 5203. The arginine at codon 1735 is replaced by glycine, an amino acid with dissimilar properties. This amino acid position is conserved. In addition, this alteration is predicted to be tolerated by in silico analysis. Based on the available evidence, the clinical significance of this variant remains unclear.